The following is an entry in ClinVar:

NM_003701.4(TNFSF11):c.514G>A (p.Ala172Thr)

Genes: TNFSF11 (TNF superfamily member 11; plus strand), LOC126861753 (P300/CBP strongly-dependent group 1 enhancer GRCh37_chr13:43174688-43175887; plus strand). Cytogenetic location: 13q14.11.
Variant type: single nucleotide variant.
Coding change: c.514G>A on transcript NM_003701.4 (MANE Select); coding-DNA position 514, G replaced by A.
Protein change: p.Ala172Thr; replaces alanine 172 with threonine.
Molecular consequence: missense variant.
Genome position (GRCh38, 1-based): chr13:42,600,963, G>A. VCF-style: chr13-42600963-G-A. GRCh37 (hg19) VCF-style: chr13-43175099-G-A.
Other names: c.295G>A, p.Ala99Thr (NM_033012.4); short protein forms A99T, A172T.
Identifiers: ClinVar variation 1410746 (VCV001410746.5), dbSNP rs1281314514, ClinGen allele CA388219894.

ClinVar aggregate classification (germline): Uncertain significance (1 of 4 stars; one submission).

Allele frequency attached by ClinVar (database versions not stated): TOPMed below 0.00001; gnomAD 0.00001; gnomAD exomes 0.00001.
gnomAD v4.1: 12 of 1,613,944 alleles (0.00074%); highest among the groups gnomAD compares: East Asian, 0.0022%; no homozygotes.

Submission:

Labcorp Genetics (formerly Invitae), Labcorp
Classification: Uncertain significance. Last evaluated: 2021-10-22. Review status: criteria provided, single submitter. Criteria: Invitae Variant Classification Sherloc (09022015). Collection method: clinical testing. Allele origin: germline.
Comment: This variant is not present in population databases (ExAC no frequency). In summary, the available evidence is currently insufficient to determine the role of this variant in disease. Therefore, it has been classified as a Variant of Uncertain Significance. Algorithms developed to predict the effect of missense changes on protein structure and function (SIFT, PolyPhen-2, Align-GVGD) all suggest that this variant is likely to be tolerated. This variant has not been reported in the literature in individuals affected with TNFSF11-related conditions. This sequence change replaces alanine with threonine at codon 172 of the TNFSF11 protein (p.Ala172Thr). The alanine residue is highly conserved and there is a small physicochemical difference between alanine and threonine.